The following is an entry in ClinVar:

ClinVar aggregate classification (germline): Uncertain significance (1 of 4 stars; one submission).

Allele frequency attached by ClinVar (database versions not stated): gnomAD 0.00001; gnomAD exomes 0.00001; TOPMed 0.00001; ExAC 0.00002.
gnomAD v4.1: 5 of 1,614,110 alleles (0.00031%); highest among the groups gnomAD compares: African/African-American, 0.004%; no homozygotes.

Submission:

Labcorp Genetics (formerly Invitae), Labcorp
Classification: Uncertain significance. Last evaluated: 2023-09-04. Review status: criteria provided, single submitter. Criteria: Invitae Variant Classification Sherloc (09022015). Collection method: clinical testing. Allele origin: germline.
Comment: Advanced modeling of protein sequence and biophysical properties (such as structural, functional, and spatial information, amino acid conservation, physicochemical variation, residue mobility, and thermodynamic stability) performed at Invitae indicates that this missense variant is not expected to disrupt MYH3 protein function. In summary, the available evidence is currently insufficient to determine the role of this variant in disease. Therefore, it has been classified as a Variant of Uncertain Significance. This variant has not been reported in the literature in individuals affected with MYH3-related conditions. This variant is present in population databases (rs202059106, gnomAD 0.01%). This sequence change replaces asparagine, which is neutral and polar, with serine, which is neutral and polar, at codon 562 of the MYH3 protein (p.Asn562Ser).

NM_002470.4(MYH3):c.1685A>G (p.Asn562Ser)

Gene: MYH3 (myosin heavy chain 3; minus strand). Cytogenetic location: 17p13.1.
Variant type: single nucleotide variant.
Coding change: c.1685A>G on transcript NM_002470.4 (MANE Select); coding-DNA position 1685, A replaced by G.
Protein change: p.Asn562Ser; replaces asparagine 562 with serine.
Molecular consequence: missense variant.
Genome position (GRCh38, 1-based): chr17:10,642,620, T>C on the plus strand (A>G on the coding strand, the complement: MYH3 is on the minus strand). VCF-style: chr17-10642620-T-C. GRCh37 (hg19) VCF-style: chr17-10545937-T-C.
Other names: short protein forms N562S.
Identifiers: ClinVar variation 2795107 (VCV002795107.3), dbSNP rs202059106, ClinGen allele CA8392951.